The following is an entry in ClinVar:

NM_000257.4(MYH7):c.5748G>C (p.Gln1916His)

Gene: MYH7 (myosin heavy chain 7; minus strand). Cytogenetic location: 14q11.2.
Variant type: single nucleotide variant.
Coding change: c.5748G>C on transcript NM_000257.4 (MANE Select); coding-DNA position 5748, G replaced by C.
Protein change: p.Gln1916His; replaces glutamine 1916 with histidine.
Molecular consequence: missense variant.
Genome position (GRCh38, 1-based): chr14:23,413,801, C>G on the plus strand (G>C on the coding strand, the complement: MYH7 is on the minus strand). VCF-style: chr14-23413801-C-G. GRCh37 (hg19) VCF-style: chr14-23883010-C-G.
Other names: c.5748G>C, p.Gln1916His (NM_001407004.1); short protein forms Q1916H.
Identifiers: ClinVar variation 3230921 (VCV003230921.1), dbSNP rs2502232946, ClinGen allele CA389034558.

ClinVar aggregate classification (germline): Uncertain significance (1 of 4 stars; one submission).

Conditions:
Cardiovascular phenotype. Identifiers: MedGen CN230736.

Submission:

Ambry Genetics
Classification: Uncertain significance for Cardiovascular phenotype. Last evaluated: 2023-12-27. Review status: criteria provided, single submitter. Criteria: Ambry Variant Classification Scheme 2023. Collection method: clinical testing. Allele origin: germline.
Comment: The p.Q1916H variant (also known as c.5748G>C), located in coding exon 37 of the MYH7 gene, results from a G to C substitution at nucleotide position 5748. The glutamine at codon 1916 is replaced by histidine, an amino acid with highly similar properties. This alteration has been reported in association with dilated cardiomyopathy (DCM) (Hey TM et al. Circ Heart Fail, 2020 Oct;13:e006701). This amino acid position is highly conserved in available vertebrate species. In addition, the in silico prediction for this alteration is inconclusive. Since supporting evidence is limited at this time, the clinical significance of this alteration remains unclear.

Literature cited by the submitters: PubMed 33019804.